The following is an entry in ClinVar:

NM_002474.3(MYH11):c.1549C>T (p.Pro517Ser)

Gene: MYH11 (myosin heavy chain 11; minus strand). Cytogenetic location: 16p13.11.
Variant type: single nucleotide variant.
Coding change: c.1549C>T on transcript NM_002474.3 (MANE Select); coding-DNA position 1549, C replaced by T.
Protein change: p.Pro517Ser; replaces proline 517 with serine.
Molecular consequence: missense variant.
Genome position (GRCh38, 1-based): chr16:15,757,853, G>A on the plus strand (C>T on the coding strand, the complement: MYH11 is on the minus strand). VCF-style: chr16-15757853-G-A. GRCh37 (hg19) VCF-style: chr16-15851710-G-A.
Other names: c.1570C>T, p.Pro524Ser (NM_001040113.2, NM_001040114.2); c.1549C>T, p.Pro517Ser (NM_022844.3); short protein forms P517S, P524S.
Identifiers: ClinVar variation 5025061 (VCV005025061.1).

ClinVar aggregate classification (germline): Uncertain significance (1 of 4 stars; one submission).

Conditions:
Familial thoracic aortic aneurysm and aortic dissection (TAAD). Also called: Thoracic aortic aneurysms and dissections. Identifiers: Orphanet 91387, MedGen C4707243, MONDO:0019625.

Submission:

Ambry Genetics
Classification: Uncertain significance for Familial thoracic aortic aneurysm and aortic dissection. Last evaluated: 2026-07-01. Review status: criteria provided, single submitter. Criteria: Ambry Variant Classification Scheme 2023. Collection method: clinical testing. Allele origin: germline.
Comment: The p.P517S variant (also known as c.1549C>T), located in coding exon 12 of the MYH11 gene, results from a C to T substitution at nucleotide position 1549. The proline at codon 517 is replaced by serine, an amino acid with similar properties. This amino acid position is conserved. In addition, this alteration is predicted to be deleterious by in silico analysis. Based on the available evidence, the clinical significance of this variant remains unclear.